The following is an entry in ClinVar:

ClinVar aggregate classification (germline): Likely benign. Review status: criteria provided, multiple submitters, no conflicts (2 of 4 stars). 4 submissions from 4 submitters: Likely benign (3). 1 of the submissions does not count toward it. Last evaluated 2025-10-06.

Conditions:
Gorlin syndrome. Also called: Basal cell nevus syndrome; Nevoid Basal Cell Carcinoma Syndrome. Identifiers: Orphanet 377, MedGen C0004779, MONDO:0007187.
Medulloblastoma (MDB). Also called: MEDULLOBLASTOMA PREDISPOSITION SYNDROME; Medulloblastoma, somatic. Identifiers: Orphanet 616, MedGen C0025149, MeSH D008527, MONDO:0007959, OMIM 155255, HP:0002885.
SUFU-related disorder. Also called: SUFU-related disorders; SUFU-related condition.
Hereditary cancer-predisposing syndrome. Also called: Neoplastic Syndromes, Hereditary; Hereditary neoplastic syndrome; Hereditary Cancer Syndrome; Tumor predisposition. Identifiers: Orphanet 140162, MedGen C0027672, MeSH D009386, MONDO:0015356.

Allele frequency attached by ClinVar (database versions not stated): gnomAD exomes below 0.00001 and 0.00001.
gnomAD v4.1: 6 of 1,614,200 alleles (0.00037%); highest among the groups gnomAD compares: Admixed American, 0.0017%; no homozygotes.

Submissions (4):

Labcorp Genetics (formerly Invitae), Labcorp
Classification: Likely benign for Gorlin syndrome; Medulloblastoma. Last evaluated: 2025-10-06. Review status: criteria provided, single submitter. Criteria: Invitae Variant Classification Sherloc (09022015). Collection method: clinical testing. Allele origin: germline.

Blueprint Genetics
Classification: Likely benign. Last evaluated: 2024-03-13. Review status: criteria provided, single submitter. Criteria: ACMG Guidelines, 2015. Collection method: clinical testing. Allele origin: germline.

Ambry Genetics
Classification: Likely benign for Hereditary cancer-predisposing syndrome. Last evaluated: 2022-04-22. Review status: criteria provided, single submitter. Criteria: Ambry Variant Classification Scheme 2023. Collection method: clinical testing. Allele origin: germline.

PreventionGenetics, part of Exact Sciences
Classification: Likely benign for SUFU-related condition. Last evaluated: 2022-03-08. Review status: no assertion criteria provided. Collection method: clinical testing. Allele origin: germline. Not counted in ClinVar's aggregate classification.
Comment: This variant is classified as likely benign based on ACMG/AMP sequence variant interpretation guidelines (Richards et al. 2015 PMID: 25741868, with internal and published modifications).

NM_016169.4(SUFU):c.1188A>C (p.Thr396=)

Gene: SUFU (SUFU negative regulator of hedgehog signaling; plus strand). Cytogenetic location: 10q24.32.
Variant type: single nucleotide variant.
Coding change: c.1188A>C on transcript NM_016169.4 (MANE Select); coding-DNA position 1188, A replaced by C.
Protein change: p.Thr396=; no amino-acid change (threonine 396 retained).
Molecular consequence: synonymous variant.
Genome position (GRCh38, 1-based): chr10:102,617,320, A>C. VCF-style: chr10-102617320-A-C. GRCh37 (hg19) VCF-style: chr10-104377077-A-C.
Other names: c.1188A>C, p.Thr396= (NM_001178133.2).
Identifiers: ClinVar variation 700804 (VCV000700804.16), dbSNP rs1418070936, ClinGen allele CA471286550.